The following is an entry in ClinVar:

ClinVar aggregate classification (germline): Uncertain significance. Review status: criteria provided, multiple submitters, no conflicts (2 of 4 stars). 2 submissions from 2 submitters: Uncertain significance (2). Last evaluated 2022-05-07.

Allele frequency attached by ClinVar (database versions not stated): ExAC 0.00003; gnomAD exomes 0.00003 and 0.00011; TOPMed 0.00003; gnomAD 0.00005; ESP Exome Variant Server 0.00008.
gnomAD v4.1: 155 of 1,613,804 alleles (0.0096%); highest among the groups gnomAD compares: Non-Finnish European, 0.013%; no homozygotes.

Submissions (2):

Blueprint Genetics
Classification: Uncertain significance. Last evaluated: 2022-05-07. Review status: criteria provided, single submitter. Criteria: ACMG Guidelines, 2015. Collection method: clinical testing. Allele origin: germline.

Labcorp Genetics (formerly Invitae), Labcorp
Classification: Uncertain significance. Last evaluated: 2021-11-12. Review status: criteria provided, single submitter. Criteria: Invitae Variant Classification Sherloc (09022015). Collection method: clinical testing. Allele origin: germline.
Comment: This sequence change replaces alanine, which is neutral and non-polar, with valine, which is neutral and non-polar, at codon 462 of the CYP4V2 protein (p.Ala462Val). This variant is present in population databases (rs139270994, gnomAD 0.007%). This variant has not been reported in the literature in individuals affected with CYP4V2-related conditions. Algorithms developed to predict the effect of missense changes on protein structure and function are either unavailable or do not agree on the potential impact of this missense change (SIFT: "Deleterious"; PolyPhen-2: "Probably Damaging"; Align-GVGD: "Class C0"). In summary, the available evidence is currently insufficient to determine the role of this variant in disease. Therefore, it has been classified as a Variant of Uncertain Significance.

NM_207352.4(CYP4V2):c.1385C>T (p.Ala462Val)

Gene: CYP4V2 (cytochrome P450 family 4 subfamily V member 2; plus strand). Cytogenetic location: 4q35.2.
Variant type: single nucleotide variant.
Coding change: c.1385C>T on transcript NM_207352.4 (MANE Select); coding-DNA position 1385, C replaced by T.
Protein change: p.Ala462Val; replaces alanine 462 with valine.
Molecular consequence: missense variant.
Genome position (GRCh38, 1-based): chr4:186,209,252, C>T. VCF-style: chr4-186209252-C-T. GRCh37 (hg19) VCF-style: chr4-187130406-C-T.
Other names: short protein forms A462V.
Identifiers: ClinVar variation 1445992 (VCV001445992.4), dbSNP rs139270994, ClinGen allele CA3162847.